The following is an entry in ClinVar:

NM_001759.4(CCND2):c.26A>G (p.Asp9Gly)

Genes: CCND2-AS1 (CCND2 antisense RNA 1; minus strand), CCND2 (cyclin D2; plus strand). Cytogenetic location: 12p13.32.
Variant type: single nucleotide variant.
Coding change: c.26A>G on transcript NM_001759.4 (MANE Select); coding-DNA position 26, A replaced by G.
Protein change: p.Asp9Gly; replaces aspartic acid 9 with glycine.
Molecular consequence: missense variant.
Genome position (GRCh38, 1-based): chr12:4,274,066, A>G. VCF-style: chr12-4274066-A-G. GRCh37 (hg19) VCF-style: chr12-4383232-A-G.
Other names: short protein forms D9G.
Identifiers: ClinVar variation 4699161 (VCV004699161.1).
Genomic context (GRCh38, chr12:4,274,066, plus strand): 5'-GGAAAGCAGGAGGGAGAGGGGCCGCCGGGCTGGCCATGGAGCTGCTGTGCCACGAGGTGG[A>G]CCCGGTCCGCAGGGCCGTGCGGGACCGCAACCTGCTCCGAGACGACCGCGTCCTGCAGAA-3'
Protein context (NP_001750.1, residues 1-19): MELLCHEV[Asp9Gly]PVRRAVRDRN

ClinVar aggregate classification (germline): Uncertain significance (1 of 4 stars; one submission).

gnomAD v4.1: 6 of 1,612,542 alleles (0.00037%); highest among the groups gnomAD compares: Non-Finnish European, 0.00042%; no homozygotes.

Submission:

Labcorp Genetics (formerly Invitae), Labcorp
Classification: Uncertain significance. Last evaluated: 2026-01-08. Review status: criteria provided, single submitter. Criteria: Invitae Variant Classification Sherloc (09022015). Collection method: clinical testing. Allele origin: germline.
Comment: This sequence change replaces aspartic acid, which is acidic and polar, with glycine, which is neutral and non-polar, at codon 9 of the CCND2 protein (p.Asp9Gly). This variant is present in population databases (no rsID available, gnomAD 0.0009%). This variant has not been reported in the literature in individuals affected with CCND2-related conditions. An algorithm developed to predict the effect of missense changes on protein structure and function (PolyPhen-2) suggests that this variant is likely to be disruptive. In summary, the available evidence is currently insufficient to determine the role of this variant in disease. Therefore, it has been classified as a Variant of Uncertain Significance.